The following is an entry in ClinVar:

NM_001943.5(DSG2):c.1311G>T (p.Trp437Cys)

Gene: DSG2 (desmoglein 2; plus strand). Cytogenetic location: 18q12.1.
Variant type: single nucleotide variant.
Coding change: c.1311G>T on transcript NM_001943.5 (MANE Select); coding-DNA position 1311, G replaced by T.
Protein change: p.Trp437Cys; replaces tryptophan 437 with cysteine.
Molecular consequence: missense variant.
Genome position (GRCh38, 1-based): chr18:31,535,300, G>T. VCF-style: chr18-31535300-G-T. GRCh37 (hg19) VCF-style: chr18-29115263-G-T.
Other names: short protein forms W437C.
Identifiers: ClinVar variation 3633007 (VCV003633007.2).
Genomic context (GRCh38, chr18:31,535,300, plus strand): 5'-AAAATTAATTTTATGTTTGTTTTATGACAGATATGTAAAATTAGAAGATAGAGATAATTG[G>T]ATCTCTGTGGATTCTGTCACATCTGAAATTAAACTTGCAAAACTTCCTGATTTTGAATCT-3'
Protein context (NP_001934.2, residues 427-447): RYVKLEDRDN[Trp437Cys]ISVDSVTSEI

ClinVar aggregate classification (germline): Uncertain significance (1 of 4 stars; one submission).

Conditions:
Arrhythmogenic right ventricular dysplasia 10. Also called: Arrhythmogenic right ventricular dysplasia/cardiomyopathy, type 10; Arrhythmogenic Right Ventricular Dysplasia/Cardiomyopathy10; ARRHYTHMOGENIC RIGHT VENTRICULAR DYSPLASIA, FAMILIAL, 10. Identifiers: MedGen C1857777, MONDO:0012434, OMIM 610193.

Submission:

Labcorp Genetics (formerly Invitae), Labcorp
Classification: Uncertain significance for Arrhythmogenic right ventricular dysplasia 10. Last evaluated: 2024-05-12. Review status: criteria provided, single submitter. Criteria: Invitae Variant Classification Sherloc (09022015). Collection method: clinical testing. Allele origin: germline.
Comment: This sequence change replaces tryptophan, which is neutral and slightly polar, with cysteine, which is neutral and slightly polar, at codon 437 of the DSG2 protein (p.Trp437Cys). This variant is not present in population databases (gnomAD no frequency). This variant has not been reported in the literature in individuals affected with DSG2-related conditions. Advanced modeling of protein sequence and biophysical properties (such as structural, functional, and spatial information, amino acid conservation, physicochemical variation, residue mobility, and thermodynamic stability) has been performed at Invitae for this missense variant, however the output from this modeling did not meet the statistical confidence thresholds required to predict the impact of this variant on DSG2 protein function. In summary, the available evidence is currently insufficient to determine the role of this variant in disease. Therefore, it has been classified as a Variant of Uncertain Significance.